The following is an entry in ClinVar:

ClinVar aggregate classification (germline): Uncertain significance (1 of 4 stars; one submission).

Conditions:
Peroxisome biogenesis disorder. Identifiers: Orphanet 79189, MedGen C1832200, MONDO:0019234. Disease mechanism: loss of function.

Allele frequency attached by ClinVar (database versions not stated): ExAC 0.00001; gnomAD exomes 0.00001.
gnomAD v4.1: 11 of 1,613,918 alleles (0.00068%); highest among the groups gnomAD compares: African/African-American, 0.0013%; no homozygotes.

Submission:

Labcorp Genetics (formerly Invitae), Labcorp
Classification: Uncertain significance for Peroxisome biogenesis disorder. Last evaluated: 2025-03-17. Review status: criteria provided, single submitter. Criteria: Invitae Variant Classification Sherloc (09022015). Collection method: clinical testing. Allele origin: germline.
Comment: This sequence change replaces arginine, which is basic and polar, with histidine, which is basic and polar, at codon 293 of the PEX16 protein (p.Arg293His). The frequency data for this variant in the population databases is considered unreliable, as metrics indicate poor data quality at this position in the gnomAD database. This variant has not been reported in the literature in individuals affected with PEX16-related conditions. ClinVar contains an entry for this variant (Variation ID: 2103847). Invitae Evidence Modeling of protein sequence and biophysical properties (such as structural, functional, and spatial information, amino acid conservation, physicochemical variation, residue mobility, and thermodynamic stability) indicates that this missense variant is not expected to disrupt PEX16 protein function with a negative predictive value of 80%. In summary, the available evidence is currently insufficient to determine the role of this variant in disease. Therefore, it has been classified as a Variant of Uncertain Significance.

NM_004813.4(PEX16):c.878G>A (p.Arg293His)

Gene: PEX16 (peroxisomal biogenesis factor 16; minus strand). Cytogenetic location: 11p11.2.
Variant type: single nucleotide variant.
Coding change: c.878G>A on transcript NM_004813.4 (MANE Select); coding-DNA position 878, G replaced by A.
Protein change: p.Arg293His; replaces arginine 293 with histidine.
Molecular consequence: missense variant.
Genome position (GRCh38, 1-based): chr11:45,913,828, C>T on the plus strand (G>A on the coding strand, the complement: PEX16 is on the minus strand). VCF-style: chr11-45913828-C-T. GRCh37 (hg19) VCF-style: chr11-45935379-C-T.
Other names: c.878G>A, p.Arg293His (NM_057174.3); short protein forms R293H.
Identifiers: ClinVar variation 2103847 (VCV002103847.4), dbSNP rs780466184, ClinGen allele CA5959788.